The following is an entry in ClinVar:

NM_004933.3(CDH15):c.1793G>C (p.Gly598Ala)

Genes: CDH15 (cadherin 15; plus strand), LOC130059794 (ATAC-STARR-seq lymphoblastoid silent region 7894; plus strand). Cytogenetic location: 16q24.3.
Variant type: single nucleotide variant.
Coding change: c.1793G>C on transcript NM_004933.3 (MANE Select); coding-DNA position 1793, G replaced by C.
Protein change: p.Gly598Ala; replaces glycine 598 with alanine.
Molecular consequence: missense variant.
Genome position (GRCh38, 1-based): chr16:89,192,382, G>C. VCF-style: chr16-89192382-G-C. GRCh37 (hg19) VCF-style: chr16-89258790-G-C.
Other names: short protein forms G598A.
Identifiers: ClinVar variation 3768432 (VCV003768432.1).

ClinVar aggregate classification (germline): Uncertain significance (1 of 4 stars; one submission).

gnomAD v4.1: 1 of 1,537,302 alleles (0.000065%); no homozygotes.

Submission:

Women's Health and Genetics/Laboratory Corporation of America, LabCorp
Classification: Uncertain significance. Last evaluated: 2024-12-31. Review status: criteria provided, single submitter. Criteria: LabCorp Variant Classification Summary - May 2015. Collection method: clinical testing. Allele origin: germline.
Comment: Variant summary: CDH15 c.1793G>C (p.Gly598Ala) results in a non-conservative amino acid change in the encoded protein sequence. Four of five in-silico tools predict a benign effect of the variant on protein function. The variant was absent in 132704 control chromosomes. The available data on variant occurrences in the general population are insufficient to allow any conclusion about variant significance. To our knowledge, no occurrence of c.1793G>C in individuals affected with Intellectual Disability, Autosomal Dominant 3 and no experimental evidence demonstrating its impact on protein function have been reported. No submitters have cited clinical-significance assessments for this variant to ClinVar. Based on the evidence outlined above, the variant was classified as uncertain significance.